The following is an entry in ClinVar:

ClinVar aggregate classification (germline): Uncertain significance (1 of 4 stars; one submission).

Conditions:
Encephalopathy due to GLUT1 deficiency. Also called: Glucose transporter protein syndrome; GLUT1 deficiency syndrome 1, infantile onset, severe; De Vivo disease; GLUT1 deficiency syndrome 1; Classic Glucose Transporter Type 1 Deficiency Syndrome; GLUCOSE TRANSPORT DEFECT, BLOOD-BRAIN BARRIER. Identifiers: Orphanet 71277, MedGen C4551966, MONDO:0011724, OMIM 606777.

Submission:

3billion
Classification: Uncertain significance for Encephalopathy due to GLUT1 deficiency. Last evaluated: 2021-10-25. Review status: criteria provided, single submitter. Criteria: ACMG Guidelines, 2015. Collection method: clinical testing. Allele origin: unknown. Affected: yes. Observed: 1 heterozygote.
Comment: This variant is not observed in the gnomAD v2.1.1 dataset (PM2). In silico tool predictions suggest damaging effect of the variant on gene or gene product (REVEL: 0.904, 3Cnet: 0.991, PP3). Therefore, this variant is classified as uncertain significance according to the recommendation of ACMG/AMP guideline.

NM_006516.4(SLC2A1):c.961A>C (p.Thr321Pro)

Gene: SLC2A1 (solute carrier family 2 member 1; minus strand). Cytogenetic location: 1p34.2.
Variant type: single nucleotide variant.
Coding change: c.961A>C on transcript NM_006516.4 (MANE Select); coding-DNA position 961, A replaced by C.
Protein change: p.Thr321Pro; replaces threonine 321 with proline.
Molecular consequence: missense variant.
Genome position (GRCh38, 1-based): chr1:42,929,221, T>G on the plus strand (A>C on the coding strand, the complement: SLC2A1 is on the minus strand). VCF-style: chr1-42929221-T-G. GRCh37 (hg19) VCF-style: chr1-43394892-T-G.
Other names: short protein forms T321P.
Identifiers: ClinVar variation 1321286 (VCV001321286.1), dbSNP rs2124448276, ClinGen allele CA339956338.